The following is an entry in ClinVar:

ClinVar aggregate classification (germline): Uncertain significance (1 of 4 stars; one submission).

Conditions:
Early-infantile DEE. Also called: Ohtahara syndrome; Early infantile epileptic encephalopathy with suppression bursts; Early infantile epileptic encephalopathy. Identifiers: Orphanet 1934, MedGen C0393706, MONDO:0800491.

Submission:

Labcorp Genetics (formerly Invitae), Labcorp
Classification: Uncertain significance for Early-infantile DEE. Last evaluated: 2025-11-13. Review status: criteria provided, single submitter. Criteria: Invitae Variant Classification Sherloc (09022015). Collection method: clinical testing. Allele origin: germline.
Comment: This sequence change replaces threonine, which is neutral and polar, with isoleucine, which is neutral and non-polar, at codon 669 of the HCN1 protein (p.Thr669Ile). This variant is not present in population databases (gnomAD no frequency). This variant has not been reported in the literature in individuals affected with HCN1-related conditions. Invitae Evidence Modeling of protein sequence and biophysical properties (such as structural, functional, and spatial information, amino acid conservation, physicochemical variation, residue mobility, and thermodynamic stability) indicates that this missense variant is not expected to disrupt HCN1 protein function with a negative predictive value of 95%. In summary, the available evidence is currently insufficient to determine the role of this variant in disease. Therefore, it has been classified as a Variant of Uncertain Significance.

NM_021072.4(HCN1):c.2006C>T (p.Thr669Ile)

Gene: HCN1 (hyperpolarization activated cyclic nucleotide gated potassium channel 1; minus strand). Cytogenetic location: 5p12.
Variant type: single nucleotide variant.
Coding change: c.2006C>T on transcript NM_021072.4 (MANE Select); coding-DNA position 2006, C replaced by T.
Protein change: p.Thr669Ile; replaces threonine 669 with isoleucine.
Molecular consequence: missense variant.
Genome position (GRCh38, 1-based): chr5:45,262,588, G>A on the plus strand (C>T on the coding strand, the complement: HCN1 is on the minus strand). VCF-style: chr5-45262588-G-A. GRCh37 (hg19) VCF-style: chr5-45262690-G-A.
Other names: short protein forms T669I.
Identifiers: ClinVar variation 4747460 (VCV004747460.1).